The following is an entry in ClinVar:

ClinVar aggregate classification (germline): Pathogenic/Likely pathogenic. Review status: criteria provided, multiple submitters, no conflicts (2 of 4 stars). 13 submissions from 13 submitters: Pathogenic (10); Likely pathogenic (2). 1 of the submissions does not count toward it. Last evaluated 2026-05-05.

Conditions:
KCNH2-related disorder. Also called: KCNH2-related disorders; KCNH2-related condition.
Cardiovascular phenotype. Identifiers: MedGen CN230736.
Familial long QT syndrome (RWS). Also called: Congenital long QT syndrome; Romano-Ward syndrome; VENTRICULAR FIBRILLATION WITH PROLONGED QT INTERVAL. Identifiers: Orphanet 768, MedGen C1141890, MONDO:0019171.
Long QT syndrome (LQTS). Identifiers: MedGen C0023976, MeSH D008133, MONDO:0002442. Disease mechanism: loss of function. Inheritance: Various modes of inheritance.
Long QT syndrome 2 (LQT2). Identifiers: Orphanet 101016, Orphanet 768, MedGen C3150943, MONDO:0013367, OMIM 613688.
Short QT syndrome type 1. Identifiers: Orphanet 51083, MedGen C1865020, MONDO:0012312, OMIM 609620.

Allele frequency attached by ClinVar (database versions not stated): gnomAD exomes below 0.00001.
gnomAD v4.1: 1 of 1,614,170 alleles (0.000062%); highest among the groups gnomAD compares: Non-Finnish European, 0.000085%; no homozygotes.

Submissions 1 to 8 of 13:

PreventionGenetics, part of Exact Sciences
Classification: Pathogenic for KCNH2-related condition. Last evaluated: 2026-05-05. Review status: criteria provided, single submitter. Criteria: ACMG Guidelines, 2015. Collection method: clinical testing. Allele origin: germline.
Comment: The KCNH2 c.1838C>T variant is predicted to result in the amino acid substitution p.Thr613Met. This variant has been reported in multiple unrelated individuals affected with long QT syndrome (Jongbloed et al. 1999. PubMed ID: 10220144; Laitinen et al. 2000. PubMed ID: 10862094; Splawski et al. 2000. PubMed ID: 10973849; Lupoglazoff et al. 2001. PubMed ID: 11222472; Moss et al. 2002. PubMed ID: 11854117; Van Langen et al. 2003. PubMed ID: 12566525; Simpson et al. 2009. PubMed ID: 19731233; Table SXIII, Choi et al. 2021. PubMed ID: 34319147). Functional studies have shown that this variant could impact normal protein function (Table S4, Anderson et al. 2014. PubMed ID: 25417810; Ng et al. 2020. PubMed ID: 31557540). This variant has not been reported in a large population database (gnomAD), indicating this variant is rare. This variant is interpreted as pathogenic.

Labcorp Genetics (formerly Invitae), Labcorp
Classification: Pathogenic for Long QT syndrome. Last evaluated: 2025-10-10. Review status: criteria provided, single submitter. Criteria: Invitae Variant Classification Sherloc (09022015). Collection method: clinical testing. Allele origin: germline.
Comment: This sequence change replaces threonine, which is neutral and polar, with methionine, which is neutral and non-polar, at codon 613 of the KCNH2 protein (p.Thr613Met). This variant is not present in population databases (gnomAD no frequency). This missense change has been observed in individual(s) with long QT syndrome (PMID: 10220144, 10862094, 10973849, 14720170, 14998624, 18441445, 19731233, 22402334, 22949429). In at least one individual the variant was observed to be de novo. ClinVar contains an entry for this variant (Variation ID: 67292). An algorithm developed to predict the effect of missense changes on protein structure and function (PolyPhen-2) suggests that this variant is likely to be disruptive. Experimental studies have shown that this missense change affects KCNH2 function (PMID: 11524404, 25417810). For these reasons, this variant has been classified as Pathogenic.

Dasa
Classification: Pathogenic. Last evaluated: 2025-06-20. Review status: criteria provided, single submitter. Criteria: DASA Assertion Criteria. Collection method: clinical testing. Allele origin: germline.
Comment: NM_000238.4(KCNH2):c.1838C>T (p.Thr613Met) is a missense variant that results in the substitution of threonine with methionine. The affected residue or protein region has prior evidence supporting clinical relevance. De novo occurrence has been reported in an individual with related phenotype. This variant has been recurrently observed in individuals with related phenotype (PMID: 10862094; PMID: 19731233; PMID: 30036649). Multiple computational predictions support a deleterious effect on the gene or gene product. The variant is present at low frequency in population datasets. Based on the available data, this variant is classified as pathogenic.

Molecular Diagnostic Laboratory for Inherited Cardiovascular Disease, Montreal Heart Institute
Classification: Pathogenic for Cardiovascular phenotype. Last evaluated: 2025-03-12. Review status: criteria provided, single submitter. Criteria: ACMG Guidelines, 2015. Collection method: clinical testing. Allele origin: germline. Affected: yes.
Comment: PS4, PM1_strong, PS3_mod, PM2, PM5, PM6, PP2, PP3

Blueprint Genetics
Classification: Pathogenic for KCNH2-related disorders. Last evaluated: 2022-07-22. Review status: criteria provided, single submitter. Criteria: ACMG Guidelines, 2015. Collection method: clinical testing. Allele origin: germline. Affected: yes. Observed: 3 variant alleles.

Ambry Genetics
Classification: Pathogenic for Cardiovascular phenotype. Last evaluated: 2022-02-14. Review status: criteria provided, single submitter. Criteria: Ambry Variant Classification Scheme 2023. Collection method: clinical testing. Allele origin: germline.
Comment: The p.T613M pathogenic mutation (also known as c.1838C>T), located in coding exon 7 of the KCNH2 gene, results from a C to T substitution at nucleotide position 1838. The threonine at codon 613 is replaced by methionine, an amino acid with similar properties. This alteration has been described in multiple neonatal, pediatric, and adult cases of long QT syndrome (LQTS) type 2 and sudden death (Jongbloed RJ et al. Hum. Mutat. 1999;13(4):301-10, Lupoglazoff JM et al. J Am Coll Cardiol. 2004;43(5):826-30; Miller TE et al. Genet Med. 2007;9(1):23-33; Nagaoka I et al. Circ J. 2008;72(5):694-9; Giudicessi JR et al. Circ Cardiovasc Genet. 2012;5(5):519-28). In two different studies of LQTS clinical genetic testing, this alteration was reported in six patients from one cohort followed by seven patients from the other cohort (Tester DJ et al. Heart Rhythm. 2005;2(5):507-17; Kapplinger JD et al. Heart Rhythm. 2009;6(9):1297-303). This alteration is located in the pore helix region, participating in voltage-related inactivation of KCNH2 channels, and functional in vitro studies have demonstrated deficient protein trafficking and suppression of channel function due to severe dominant-negative effects of this alteration (Huang FD et al. Circulation. 2001;104(9):1071-5; Anderson CL et al. Nat Commun. 2014 Nov 24;5:5535). Another alteration in the same codon (p.T613A c.1837A>G) has been described to co-segregate with LQTS in a sibling and the father of an individual who died suddenly after exercise (Poulsen KL et al. Pacing Clin Electrophysiol. 2015 Jul 14;doi:10.1111/pace.12693), and in the same study, functional in vitro analysis demonstrated the alteration reduced cardiac channel expression related to a loss of function effect. This variant is considered to be rare based on population cohorts in the Genome Aggregation Database (gnomAD). In addition, this alteration is predicted to be deleterious by BayesDel in silico analysis. Based on the supporting evidence, this alteration is interpreted as a disease-causing mutation.

GeneDx
Classification: Pathogenic. Last evaluated: 2022-01-18. Review status: criteria provided, single submitter. Criteria: GeneDx Variant Classification Process June 2021. Collection method: clinical testing. Allele origin: germline. Affected: yes.
Comment: Not observed at significant frequency in large population cohorts (gnomAD); In silico analysis, which includes protein predictors and evolutionary conservation, supports a deleterious effect; Functional studies show that T613M results in deficient protein trafficking (Anderson et al., 2014; Ng et al., 2019); Reported in ClinVar (ClinVar Variant ID# 67292; ClinVar); This variant is associated with the following publications: (PMID: 10862094, 22402334, 10220144, 19731233, 22949429, 14720170, 14998624, 15466642, 28491768, 30036649, 34319147, 33731522, 31557540, 33665105, 25417810)

MVZ Martinsried, Medicover Genetics
Classification: Likely pathogenic for Long QT syndrome 2. Last evaluated: 2020-09-20. Review status: criteria provided, single submitter. Criteria: ACGS Guidelines, 2020. Collection method: clinical testing. Allele origin: unknown. Affected: yes.

NM_000238.4(KCNH2):c.1838C>T (p.Thr613Met)

Gene: KCNH2 (potassium voltage-gated channel subfamily H member 2; minus strand). Cytogenetic location: 7q36.1.
Variant type: single nucleotide variant.
Coding change: c.1838C>T on transcript NM_000238.4 (MANE Select); coding-DNA position 1838, C replaced by T.
Protein change: p.Thr613Met; replaces threonine 613 with methionine.
Molecular consequence: missense variant.
Genome position (GRCh38, 1-based): chr7:150,951,555, G>A on the plus strand (C>T on the coding strand, the complement: KCNH2 is on the minus strand). VCF-style: chr7-150951555-G-A. GRCh37 (hg19) VCF-style: chr7-150648643-G-A.
Other names: c.1838C>T (LRG_288t1); c.818C>T, p.Thr273Met (NM_001204798.2, NM_172057.3); c.1550C>T, p.Thr517Met (NM_001406753.1, NM_001406756.1); c.1661C>T, p.Thr554Met (NM_001406755.1); c.1538C>T, p.Thr513Met (NM_001406757.1); c.1838C>T, p.Thr613Met (NM_172056.3); short protein forms T273M, T613M, T517M, T513M, T554M.
Identifiers: ClinVar variation 67292 (VCV000067292.31), dbSNP rs199473524, ClinGen allele CA005647.
Genomic context (GRCh38, chr7:150,951,555, plus strand): 5'-TTGGGAGAGACGTTGCCGAAGCCCACACTGGTGAGGCTGCTGAAGGTGAAGTAGAGCGCC[G>A]TCACATACTTGTCCTTGATGGAGGGGCCGCCCAGGCCGCTGCTGTTGTAGGGTTTGCCTA-3'
Protein context (NP_000229.1, residues 603-623): GGPSIKDKYV[Thr613Met]ALYFTFSSLT